The following is an entry in ClinVar:

ClinVar aggregate classification (germline): Uncertain significance (1 of 4 stars; one submission).

Submission:

GeneDx
Classification: Uncertain significance. Last evaluated: 2022-12-28. Review status: criteria provided, single submitter. Criteria: GeneDx Variant Classification Process June 2021. Collection method: clinical testing. Allele origin: germline. Affected: yes.
Comment: Not observed at significant frequency in large population cohorts (gnomAD); In silico analysis supports that this missense variant has a deleterious effect on protein structure/function; Has not been previously published as pathogenic or benign to our knowledge

NM_001127222.2(CACNA1A):c.1025C>T (p.Pro342Leu)

Genes: CACNA1A (calcium voltage-gated channel subunit alpha1 A; minus strand), LOC126862866 (MED14-independent group 3 enhancer GRCh37_chr19:13445719-13446918; plus strand). Cytogenetic location: 19p13.13.
Variant type: single nucleotide variant.
Coding change: c.1025C>T on transcript NM_001127222.2 (MANE Select); coding-DNA position 1025, C replaced by T.
Protein change: p.Pro342Leu; replaces proline 342 with leucine.
Molecular consequence: missense variant.
Genome position (GRCh38, 1-based): chr19:13,335,863, G>A on the plus strand (C>T on the coding strand, the complement: CACNA1A is on the minus strand). VCF-style: chr19-13335863-G-A. GRCh37 (hg19) VCF-style: chr19-13446677-G-A.
Other names: c.1025C>T, p.Pro342Leu (NM_000068.4, NM_001127221.2, NM_001174080.2 and 1 more transcripts); short protein forms P342L.
Identifiers: ClinVar variation 2507278 (VCV002507278.1), dbSNP rs2513055988, ClinGen allele CA404346779.